The following is an entry in ClinVar:

NM_000553.6(WRN):c.4192-3C>A

Genes: WRN (WRN RecQ like helicase; plus strand), LOC126860342 (MED14-independent group 3 enhancer GRCh37_chr8:31029565-31030764; plus strand). Cytogenetic location: 8p12.
Variant type: single nucleotide variant.
Coding change: c.4192-3C>A on transcript NM_000553.6 (MANE Select); 3 bases into the intron before coding-DNA position 4192, C replaced by A.
Molecular consequence: intron variant.
Genome position (GRCh38, 1-based): chr8:31,172,992, C>A. VCF-style: chr8-31172992-C-A. GRCh37 (hg19) VCF-style: chr8-31030508-C-A.
Identifiers: ClinVar variation 1008298 (VCV001008298.5), dbSNP rs1311481126, ClinGen allele CA850754503.

ClinVar aggregate classification (germline): Uncertain significance (1 of 4 stars; one submission).

Conditions:
Werner syndrome (WRN). Identifiers: Orphanet 902, MedGen C0043119, MONDO:0010196, OMIM 277700.

Allele frequency attached by ClinVar (database versions not stated): TOPMed 0.00002.

Submission:

Labcorp Genetics (formerly Invitae), Labcorp
Classification: Uncertain significance for Werner syndrome. Last evaluated: 2020-10-10. Review status: criteria provided, single submitter. Criteria: Invitae Variant Classification Sherloc (09022015). Collection method: clinical testing. Allele origin: germline.
Comment: This sequence change falls in intron 34 of the WRN gene. It does not directly change the encoded amino acid sequence of the WRN protein, but it affects a nucleotide within the consensus splice site of the intron. This variant is not present in population databases (ExAC no frequency). This variant has not been reported in the literature in individuals with WRN-related conditions. Nucleotide substitutions within the consensus splice site are a relatively common cause of aberrant splicing (PMID: 17576681, 9536098). Algorithms developed to predict the effect of sequence changes on RNA splicing suggest that this variant may disrupt the consensus splice site, but this prediction has not been confirmed by published transcriptional studies. In summary, the available evidence is currently insufficient to determine the role of this variant in disease. Therefore, it has been classified as a Variant of Uncertain Significance.

Literature cited by the submitters: PubMed 17576681; PubMed 9536098.